The following is an entry in ClinVar:

NM_197968.4(ZMYM2):c.3038-1G>A

Gene: ZMYM2 (zinc finger MYM-type containing 2; plus strand). Cytogenetic location: 13q12.11.
Variant type: single nucleotide variant.
Coding change: c.3038-1G>A on transcript NM_197968.4 (MANE Select); the canonical splice acceptor site of the intron before coding-DNA position 3038, G replaced by A.
Molecular consequence: splice acceptor variant.
Genome position (GRCh38, 1-based): chr13:20,064,450, G>A. VCF-style: chr13-20064450-G-A. GRCh37 (hg19) VCF-style: chr13-20638590-G-A.
Other names: c.2777-1G>A (NM_001353163.2); c.3038-1G>A (NM_001353157.2, NM_001353164.2, NM_001353159.2 and 5 more transcripts); c.2843-1G>A (NM_001353161.3).
Identifiers: ClinVar variation 1345305 (VCV001345305.8), dbSNP rs2140850308, ClinGen allele CA387466086.
Genomic context (GRCh38, chr13:20,064,450, plus strand): 5'-GCTGTGTTTATGTAACCCTGTGCTATTTCATTTAAAATAAAAGTTCTGATTTGGTTGTCA[G>A]CTGCTGAGGAGCTTGATATGGAAAATGAATTTTTATTACCACCTGTTTTTGGCGAAGAAT-3'

ClinVar aggregate classification (germline): Likely pathogenic (1 of 4 stars; one submission).

Allele frequency attached by ClinVar (database versions not stated): gnomAD exomes below 0.00001.
gnomAD v4.1: 1 of 1,587,380 alleles (0.000063%); highest among the groups gnomAD compares: Non-Finnish European, 0.000086%; no homozygotes.

Submission:

Labcorp Genetics (formerly Invitae), Labcorp
Classification: Likely pathogenic. Last evaluated: 2021-05-12. Review status: criteria provided, single submitter. Criteria: Invitae Variant Classification Sherloc (09022015). Collection method: clinical testing. Allele origin: germline.
Comment: In summary, the currently available evidence indicates that the variant is pathogenic, but additional data are needed to prove that conclusively. Therefore, this variant has been classified as Likely Pathogenic. Algorithms developed to predict the effect of sequence changes on RNA splicing suggest that this variant may disrupt the consensus splice site, but this prediction has not been confirmed by published transcriptional studies. This variant has not been reported in the literature in individuals with ZMYM2-related conditions. This variant is not present in population databases (ExAC no frequency). This sequence change affects an acceptor splice site in intron 19 of the ZMYM2 gene. It is expected to disrupt RNA splicing. Variants that disrupt the donor or acceptor splice site typically lead to a loss of protein function (PMID: 16199547), and loss-of-function variants in ZMYM2 are known to be pathogenic (PMID: 32891193).

Literature cited by the submitters: PubMed 16199547; PubMed 32891193.